The following is an entry in ClinVar:

NM_001040142.2(SCN2A):c.579G>T (p.Trp193Cys)

Gene: SCN2A (sodium voltage-gated channel alpha subunit 2; plus strand). Cytogenetic location: 2q24.3.
Variant type: single nucleotide variant.
Coding change: c.579G>T on transcript NM_001040142.2 (MANE Select); coding-DNA position 579, G replaced by T.
Protein change: p.Trp193Cys; replaces tryptophan 193 with cysteine.
Molecular consequence: missense variant.
Genome position (GRCh38, 1-based): chr2:165,308,768, G>T. VCF-style: chr2-165308768-G-T. GRCh37 (hg19) VCF-style: chr2-166165278-G-T.
Other names: c.579G>T, p.Trp193Cys (NM_001040143.2, NM_001371246.1, NM_001371247.1 and 1 more transcripts); short protein forms W193C.
Identifiers: ClinVar variation 3158526 (VCV003158526.1), dbSNP rs748656792, ClinGen allele CA1939631.

ClinVar aggregate classification (germline): Uncertain significance (1 of 4 stars; one submission).

Conditions:
Inborn genetic diseases. Identifiers: MedGen C0950123, MeSH D030342.

Allele frequency attached by ClinVar (database versions not stated): gnomAD exomes below 0.00001; ExAC 0.00001.
gnomAD v4.1: 4 of 1,612,874 alleles (0.00025%); highest among the groups gnomAD compares: Non-Finnish European, 0.00034%; no homozygotes.

Submission:

Ambry Genetics
Classification: Uncertain significance for Inborn genetic diseases. Last evaluated: 2023-12-12. Review status: criteria provided, single submitter. Criteria: Ambry Variant Classification Scheme 2023. Collection method: clinical testing. Allele origin: germline.
Comment: The c.579G>T (p.W193C) alteration is located in exon 5 (coding exon 4) of the SCN2A gene. This alteration results from a G to T substitution at nucleotide position 579, causing the tryptophan (W) at amino acid position 193 to be replaced by a cysteine (C). Based on data from gnomAD, the T allele has an overall frequency of <0.001% (1/250898) total alleles studied. The highest observed frequency was 0.001% (1/113480) of European (non-Finnish) alleles. This amino acid position is highly conserved in available vertebrate species. This alteration is predicted to be deleterious by in silico analysis. Based on insufficient or conflicting evidence, the clinical significance of this alteration remains unclear.